The following is an entry in ClinVar:

NM_001257291.2(SLC9A7):c.1682G>T (p.Gly561Val)

Gene: SLC9A7 (solute carrier family 9 member A7; minus strand). Cytogenetic location: Xp11.3.
Variant type: single nucleotide variant.
Coding change: c.1682G>T on transcript NM_001257291.2 (MANE Select); coding-DNA position 1682, G replaced by T.
Protein change: p.Gly561Val; replaces glycine 561 with valine.
Molecular consequence: missense variant.
Genome position (GRCh38, 1-based): chrX:46,631,644, C>A on the plus strand (G>T on the coding strand, the complement: SLC9A7 is on the minus strand). VCF-style: chrX-46631644-C-A. GRCh37 (hg19) VCF-style: chrX-46491079-C-A.
Other names: c.1679G>T, p.Gly560Val (NM_032591.3); short protein forms G560V, G561V.
Identifiers: ClinVar variation 3370552 (VCV003370552.1).

ClinVar aggregate classification (germline): Uncertain significance (1 of 4 stars; one submission).

Submission:

GeneDx
Classification: Uncertain significance. Last evaluated: 2024-03-05. Review status: criteria provided, single submitter. Criteria: GeneDx Variant Classification Process June 2021. Collection method: clinical testing. Allele origin: germline. Affected: yes.
Comment: Not observed at significant frequency in large population cohorts (gnomAD); In silico analysis supports that this missense variant has a deleterious effect on protein structure/function; Has not been previously published as pathogenic or benign to our knowledge